The following is an entry in ClinVar:

NM_000257.4(MYH7):c.2338A>G (p.Arg780Gly)

Genes: MYH7 (myosin heavy chain 7; minus strand), LOC126861898 (BRD4-independent group 4 enhancer GRCh37_chr14:23893609-23894808; plus strand). Cytogenetic location: 14q11.2.
Variant type: single nucleotide variant.
Coding change: c.2338A>G on transcript NM_000257.4 (MANE Select); coding-DNA position 2338, A replaced by G.
Protein change: p.Arg780Gly; replaces arginine 780 with glycine.
Molecular consequence: missense variant.
Genome position (GRCh38, 1-based): chr14:23,425,367, T>C on the plus strand (A>G on the coding strand, the complement: MYH7 is on the minus strand). VCF-style: chr14-23425367-T-C. GRCh37 (hg19) VCF-style: chr14-23894576-T-C.
Other names: c.2338A>G, p.Arg780Gly (NM_001407004.1); short protein forms R780G.
Identifiers: ClinVar variation 2858102 (VCV002858102.3), dbSNP rs2502286089, ClinGen allele CA389048619.
Genomic context (GRCh38, chr14:23,425,367, plus strand): 5'-CCATTCTGGCGAGCACACCTCGGGACTGGGCCTGGATACGCGTGATGATGCGGCTCAGCC[T>C]CTCGTCCCTCATTTCCTCCAGCAGCCCCAGCAGCCCGGCCTTGAAGAACACCTGCAGGCA-3'
Protein context (NP_000248.2, residues 770-790): LGLLEEMRDE[Arg780Gly]LSRIITRIQA

ClinVar aggregate classification (germline): Uncertain significance (1 of 4 stars; one submission).

Conditions:
Hypertrophic cardiomyopathy. Also called: HYPERTROPHIC MYOCARDIOPATHY. Identifiers: Orphanet 217569, MedGen C0007194, MeSH D002312, MONDO:0005045, HP:0001639.

Submission:

Labcorp Genetics (formerly Invitae), Labcorp
Classification: Uncertain significance for Hypertrophic cardiomyopathy. Last evaluated: 2023-05-04. Review status: criteria provided, single submitter. Criteria: Invitae Variant Classification Sherloc (09022015). Collection method: clinical testing. Allele origin: germline.
Comment: In summary, the available evidence is currently insufficient to determine the role of this variant in disease. Therefore, it has been classified as a Variant of Uncertain Significance. Advanced modeling of protein sequence and biophysical properties (such as structural, functional, and spatial information, amino acid conservation, physicochemical variation, residue mobility, and thermodynamic stability) performed at Invitae indicates that this missense variant is expected to disrupt MYH7 protein function. This variant has not been reported in the literature in individuals affected with MYH7-related conditions. This variant is not present in population databases (gnomAD no frequency). This sequence change replaces arginine, which is basic and polar, with glycine, which is neutral and non-polar, at codon 780 of the MYH7 protein (p.Arg780Gly).